The following is an entry in ClinVar:

ClinVar aggregate classification (germline): Benign/Likely benign. Review status: criteria provided, multiple submitters, no conflicts (2 of 4 stars). 4 submissions from 3 submitters: Benign (1); Likely benign (2). 1 of the submissions does not count toward it. Last evaluated 2025-09-30.

Conditions:
ROR2-related disorder. Also called: ROR2-related disorders; ROR2-related condition.
Brachydactyly type B1 (BDB1). Identifiers: Orphanet 572385, Orphanet 93383, MedGen C1862112, MONDO:0007220, OMIM 113000.
Autosomal recessive Robinow syndrome (RRS1). Also called: COSTOVERTEBRAL SEGMENTATION DEFECT WITH MESOMELIA; COVESDEM SYNDROME; ROBINOW SYNDROME, AUTOSOMAL RECESSIVE 1; ROR2-Related Robinow Syndrome. Identifiers: Orphanet 1507, Orphanet 97360, MedGen C5399974, MONDO:0009999, OMIM 268310.

Allele frequency attached by ClinVar (database versions not stated): TOPMed 0.00002; gnomAD 0.00009 and 0.00015; 1000 Genomes Project 30x 0.00016; gnomAD exomes 0.00017 and 0.00031; ExAC 0.00034.
gnomAD v4.1: 267 of 1,612,736 alleles (0.017%); highest among the groups gnomAD compares: South Asian, 0.15%; 3 homozygotes.

Submissions (4):

Labcorp Genetics (formerly Invitae), Labcorp
Classification: Benign. Last evaluated: 2025-09-30. Review status: criteria provided, single submitter. Criteria: Invitae Variant Classification Sherloc (09022015). Collection method: clinical testing. Allele origin: germline.

Illumina Laboratory Services, Illumina
Classification: Likely benign for Brachydactyly type B1. Last evaluated: 2017-04-27. Review status: criteria provided, single submitter. Criteria: ICSL Variant Classification Criteria 13 December 2019. Collection method: clinical testing. Allele origin: germline.
Comment: This variant was observed as part of a predisposition screen in an ostensibly healthy population. A literature search was performed for the gene, cDNA change, and amino acid change (where applicable). No publications were found based on this search. Allele frequency data from public databases allowed determination this variant is unlikely to cause disease. Therefore, this variant is classified as likely benign.

Illumina Laboratory Services, Illumina
Classification: Likely benign for Autosomal recessive Robinow syndrome. Last evaluated: 2017-04-27. Review status: criteria provided, single submitter. Criteria: ICSL Variant Classification Criteria 13 December 2019. Collection method: clinical testing. Allele origin: germline.
Comment: the same text as in the submission from Illumina Laboratory Services, Illumina above.

PreventionGenetics, part of Exact Sciences
Classification: Likely benign for ROR2-related condition. Last evaluated: 2022-06-01. Review status: no assertion criteria provided. Collection method: clinical testing. Allele origin: germline. Not counted in ClinVar's aggregate classification.
Comment: This variant is classified as likely benign based on ACMG/AMP sequence variant interpretation guidelines (Richards et al. 2015 PMID: 25741868, with internal and published modifications).

NM_004560.4(ROR2):c.744G>A (p.Pro248=)

Gene: ROR2 (ROR family WNT receptor 2; minus strand). Cytogenetic location: 9q22.31.
Variant type: single nucleotide variant.
Coding change: c.744G>A on transcript NM_004560.4 (MANE Select); coding-DNA position 744, G replaced by A.
Protein change: p.Pro248=; no amino-acid change (proline 248 retained).
Molecular consequence: synonymous variant.
Genome position (GRCh38, 1-based): chr9:91,733,315, C>T on the plus strand (G>A on the coding strand, the complement: ROR2 is on the minus strand). VCF-style: chr9-91733315-C-T. GRCh37 (hg19) VCF-style: chr9-94495597-C-T.
Other names: c.744G>A, p.Pro248= (NM_001318204.2).
Identifiers: ClinVar variation 367513 (VCV000367513.14), dbSNP rs757948078, ClinGen allele CA5120905.